The following is an entry in ClinVar:

NM_002227.4(JAK1):c.206G>A (p.Arg69His)

Gene: JAK1 (Janus kinase 1; minus strand). Cytogenetic location: 1p31.3.
Variant type: single nucleotide variant.
Coding change: c.206G>A on transcript NM_002227.4 (MANE Select); coding-DNA position 206, G replaced by A.
Protein change: p.Arg69His; replaces arginine 69 with histidine.
Molecular consequence: missense variant.
Genome position (GRCh38, 1-based): chr1:64,879,148, C>T on the plus strand (G>A on the coding strand, the complement: JAK1 is on the minus strand). VCF-style: chr1-64879148-C-T. GRCh37 (hg19) VCF-style: chr1-65344831-C-T.
Other names: c.206G>A, p.Arg69His (NM_001320923.2, NM_001321852.2, NM_001321853.2 and 4 more transcripts); short protein forms R69H.
Identifiers: ClinVar variation 2969597 (VCV002969597.3), dbSNP rs2101217893, ClinGen allele CA340679367.

ClinVar aggregate classification (germline): Uncertain significance (1 of 4 stars; one submission).

Submission:

Labcorp Genetics (formerly Invitae), Labcorp
Classification: Uncertain significance. Last evaluated: 2023-03-20. Review status: criteria provided, single submitter. Criteria: Invitae Variant Classification Sherloc (09022015). Collection method: clinical testing. Allele origin: germline.
Comment: This sequence change replaces arginine, which is basic and polar, with histidine, which is basic and polar, at codon 69 of the JAK1 protein (p.Arg69His). This variant is not present in population databases (gnomAD no frequency). This variant has not been reported in the literature in individuals affected with JAK1-related conditions. An algorithm developed to predict the effect of missense changes on protein structure and function (PolyPhen-2) suggests that this variant is likely to be tolerated. In summary, the available evidence is currently insufficient to determine the role of this variant in disease. Therefore, it has been classified as a Variant of Uncertain Significance.